The following is an entry in ClinVar:

ClinVar aggregate classification (germline): Pathogenic (1 of 4 stars; one submission).

Submission:

Labcorp Genetics (formerly Invitae), Labcorp
Classification: Pathogenic. Last evaluated: 2018-12-08. Review status: criteria provided, single submitter. Criteria: Invitae Variant Classification Sherloc (09022015). Collection method: clinical testing. Allele origin: germline.
Comment: For these reasons, this variant has been classified as Pathogenic. Loss-of-function variants in USH2A are known to be pathogenic (PMID: 10729113, 10909849, 20507924, 25649381). This variant has been observed in an individual affected with Usher syndrome (PMID: 19737284). This variant is not present in population databases (ExAC no frequency). This sequence change creates a premature translational stop signal (p.Leu1720*) in the USH2A gene. It is expected to result in an absent or disrupted protein product.

Literature cited by the submitters: PubMed 10729113; PubMed 10909849; PubMed 20507924; PubMed 25649381; PubMed 19737284.

NM_206933.4(USH2A):c.5158del (p.Phe1719_Leu1720insTer)

Genes: USH2A (usherin; minus strand), USH2A-AS2 (USH2A antisense RNA 2; plus strand). Cytogenetic location: 1q41.
Variant type: Deletion.
Coding change: c.5158del on transcript NM_206933.4 (MANE Select); coding-DNA position 5158, one base deleted (C; older notation c.5158delC).
Protein change: p.Phe1719_Leu1720insTer.
Molecular consequence: nonsense.
Genome position (GRCh38, 1-based): chr1:216,084,707, G deleted on the plus strand (C on the coding strand, the reverse complement: USH2A is on the minus strand); the first of 2 consecutive G bases (chr1:216,084,707-216,084,708); deleting either gives the same sequence. VCF-style (leftmost placement, unchanged base first): chr1-216084706-AG-A. GRCh37 (hg19) VCF-style: chr1-216258048-AG-A.
Other names: c.5158delC (NM_206933.2).
Identifiers: ClinVar variation 664697 (VCV000664697.8), dbSNP rs1571947978, ClinGen allele CA915942010.